The following is an entry in ClinVar:

ClinVar aggregate classification (germline): Uncertain significance. Review status: criteria provided, multiple submitters, no conflicts (2 of 4 stars). 3 submissions from 3 submitters: Uncertain significance (3). Last evaluated 2024-12-14.

Conditions:
Goldberg-Shprintzen syndrome. Identifiers: Orphanet 66629, MedGen C1836123, MONDO:0012280, OMIM 609460.

Allele frequency attached by ClinVar (database versions not stated): gnomAD exomes 0.00005; gnomAD 0.00010 and 0.00011; TOPMed 0.00015; ESP Exome Variant Server 0.00023; 1000 Genomes Project 0.00040; 1000 Genomes Project 30x 0.00047.
gnomAD v4.1: 38 of 1,614,236 alleles (0.0024%); highest among the groups gnomAD compares: African/African-American, 0.037%; no homozygotes.

Submissions (3):

Ambry Genetics
Classification: Uncertain significance. Last evaluated: 2024-12-14. Review status: criteria provided, single submitter. Criteria: Ambry Variant Classification Scheme 2023. Collection method: clinical testing. Allele origin: germline.

Labcorp Genetics (formerly Invitae), Labcorp
Classification: Uncertain significance. Last evaluated: 2021-10-13. Review status: criteria provided, single submitter. Criteria: Invitae Variant Classification Sherloc (09022015). Collection method: clinical testing. Allele origin: germline.
Comment: This sequence change replaces alanine with glycine at codon 39 of the KIF1BP protein (p.Ala39Gly). The alanine residue is highly conserved and there is a small physicochemical difference between alanine and glycine. This variant is present in population databases (rs372223602, ExAC 0.04%). This variant has not been reported in the literature in individuals affected with KIF1BP-related conditions. ClinVar contains an entry for this variant (Variation ID: 878713). Algorithms developed to predict the effect of missense changes on protein structure and function are either unavailable or do not agree on the potential impact of this missense change (SIFT: "Deleterious"; PolyPhen-2: "Probably Damaging"; Align-GVGD: "Class C0"). In summary, the available evidence is currently insufficient to determine the role of this variant in disease. Therefore, it has been classified as a Variant of Uncertain Significance.

Illumina Laboratory Services, Illumina
Classification: Uncertain significance for Goldberg-Shprintzen syndrome. Last evaluated: 2018-01-12. Review status: criteria provided, single submitter. Criteria: ICSL Variant Classification Criteria 13 December 2019. Collection method: clinical testing. Allele origin: germline.

NM_015634.4(KIFBP):c.116C>G (p.Ala39Gly)

Genes: KIFBP (kinesin family binding protein; plus strand), LOC130003959 (ATAC-STARR-seq lymphoblastoid active region 3474; plus strand). Cytogenetic location: 10q22.1.
Variant type: single nucleotide variant.
Coding change: c.116C>G on transcript NM_015634.4 (MANE Select); coding-DNA position 116, C replaced by G.
Protein change: p.Ala39Gly; replaces alanine 39 with glycine.
Molecular consequence: missense variant.
Genome position (GRCh38, 1-based): chr10:68,988,948, C>G. VCF-style: chr10-68988948-C-G. GRCh37 (hg19) VCF-style: chr10-70748704-C-G.
Other names: short protein forms A39G.
Identifiers: ClinVar variation 878713 (VCV000878713.10), dbSNP rs372223602, ClinGen allele CA5529616.